The following is an entry in ClinVar:

NM_017780.4(CHD7):c.4838T>C (p.Leu1613Pro)

Gene: CHD7 (chromodomain helicase DNA binding protein 7; plus strand). Cytogenetic location: 8q12.2.
Variant type: single nucleotide variant.
Coding change: c.4838T>C on transcript NM_017780.4 (MANE Select); coding-DNA position 4838, T replaced by C.
Protein change: p.Leu1613Pro; replaces leucine 1613 with proline.
Molecular consequence: missense variant. On other transcripts: intron variant (1).
Genome position (GRCh38, 1-based): chr8:60,842,040, T>C. VCF-style: chr8-60842040-T-C. GRCh37 (hg19) VCF-style: chr8-61754599-T-C.
Other names: c.1717-20189T>C (NM_001316690.1); short protein forms L1613P.
Identifiers: ClinVar variation 4281914 (VCV004281914.1).

ClinVar aggregate classification (germline): Uncertain significance (1 of 4 stars; one submission).

Submission:

GeneDx
Classification: Uncertain significance. Last evaluated: 2025-04-07. Review status: criteria provided, single submitter. Criteria: GeneDx Variant Classification Process June 2021. Collection method: clinical testing. Allele origin: germline. Affected: yes.
Comment: Not observed at significant frequency in large population cohorts (gnomAD); In silico analysis supports that this missense variant has a deleterious effect on protein structure/function; Has not been previously published as pathogenic or benign to our knowledge.